The following is an entry in ClinVar:

ClinVar aggregate classification (germline): Conflicting classifications of pathogenicity. Review status: criteria provided, conflicting classifications (1 of 4 stars). 6 submissions from 6 submitters: Pathogenic (1); Likely pathogenic (2); Uncertain significance (2). 1 of the submissions does not count toward it. Last evaluated 2026-02-10.

Conditions:
Retinal dystrophy. Also called: Inherited retinal dystrophy. Identifiers: Orphanet 71862, MedGen C0854723, MeSH D058499, MONDO:0019118, HP:0000556.
Severe early-childhood-onset retinal dystrophy (STGD1). Also called: MACULAR DYSTROPHY WITH FLECKS, TYPE 1; STGD; Stargardt macular dystrophy; Juvenile onset macular degeneration; Stargardt disease 1. Identifiers: Orphanet 364055, Orphanet 827, MedGen C1855465, MeSH D000080362, MONDO:0009549, OMIM 248200.
Cone-rod dystrophy 3 (CORD3). Identifiers: Orphanet 1872, MedGen C1858806, MONDO:0011395, OMIM 604116.
Age related macular degeneration 2. Also called: MACULAR DEGENERATION, SENILE; MACULOPATHY, AGE-RELATED, 2; MACULOPATHY, AGE-RELATED. Identifiers: MedGen C3495438, MONDO:0007932, OMIM 153800.
Retinitis pigmentosa 19 (RP19). Also called: ABCA4-Related Retinitis Pigmentosa. Identifiers: Orphanet 791, MedGen C1866422, MONDO:0011137, OMIM 601718.

Allele frequency attached by ClinVar (database versions not stated): gnomAD 0.00001; ExAC 0.00002; gnomAD exomes 0.00002 and 0.00003; TOPMed 0.00002.
gnomAD v4.1: 25 of 1,613,998 alleles (0.0015%); highest among the groups gnomAD compares: Non-Finnish European, 0.0018%; no homozygotes.

Submissions (6):

GeneDx
Classification: Uncertain significance. Last evaluated: 2026-02-10. Review status: criteria provided, single submitter. Criteria: GeneDx Variant Classification Process June 2021. Collection method: clinical testing. Allele origin: germline.
Comment: In silico analysis supports that this missense variant has a deleterious effect on protein structure/function; This variant is associated with the following publications: (PMID: 31964843, 32307445, 40371729, 40592404, 11702214)

Blueprint Genetics
Classification: Uncertain significance. Last evaluated: 2024-10-31. Review status: criteria provided, single submitter. Criteria: ACMG Guidelines, 2015. Collection method: clinical testing. Allele origin: germline.

Fulgent Genetics
Classification: Likely pathogenic for Age related macular degeneration 2; Severe early-childhood-onset retinal dystrophy; Retinitis pigmentosa 19; Cone-rod dystrophy 3. Last evaluated: 2024-06-13. Review status: criteria provided, single submitter. Criteria: ACMG Guidelines, 2015. Collection method: clinical testing. Allele origin: germline.

Labcorp Genetics (formerly Invitae), Labcorp
Classification: Pathogenic. Last evaluated: 2024-03-13. Review status: criteria provided, single submitter. Criteria: Invitae Variant Classification Sherloc (09022015). Collection method: clinical testing. Allele origin: germline.
Comment: This sequence change replaces glycine, which is neutral and non-polar, with aspartic acid, which is acidic and polar, at codon 1050 of the ABCA4 protein (p.Gly1050Asp). This variant is present in population databases (rs61750062, gnomAD 0.004%). This missense change has been observed in individual(s) with Stargardt disease (PMID: 11702214). In at least one individual the data is consistent with being in trans (on the opposite chromosome) from a pathogenic variant. It has also been observed to segregate with disease in related individuals. ClinVar contains an entry for this variant (Variation ID: 99199). Advanced modeling of protein sequence and biophysical properties (such as structural, functional, and spatial information, amino acid conservation, physicochemical variation, residue mobility, and thermodynamic stability) performed at Invitae indicates that this missense variant is expected to disrupt ABCA4 protein function with a positive predictive value of 95%. For these reasons, this variant has been classified as Pathogenic.

Institute of Human Genetics, Univ. Regensburg, Univ. Regensburg
Classification: Likely pathogenic for Retinal dystrophy. Last evaluated: 2016-01-01. Review status: criteria provided, single submitter. Criteria: ACMG Guidelines, 2015. Collection method: clinical testing. Allele origin: germline. Affected: yes.

Retina International
No classification provided. Review status: no classification provided. Collection method: not provided. Allele origin: not provided. Not counted in ClinVar's aggregate classification.

Literature cited by the submitters: PubMed 11702214 (cited by Labcorp Genetics (formerly Invitae), Labcorp and Institute of Human Genetics, Univ. Regensburg, Univ. Regensburg); PubMed 31964843 (cited by Institute of Human Genetics, Univ. Regensburg, Univ. Regensburg); PubMed 32307445 (cited by Institute of Human Genetics, Univ. Regensburg, Univ. Regensburg).

NM_000350.3(ABCA4):c.3149G>A (p.Gly1050Asp)

Gene: ABCA4 (ATP binding cassette subfamily A member 4; minus strand). Cytogenetic location: 1p22.1.
Variant type: single nucleotide variant.
Coding change: c.3149G>A on transcript NM_000350.3 (MANE Select); coding-DNA position 3149, G replaced by A.
Protein change: p.Gly1050Asp; replaces glycine 1050 with aspartic acid.
Molecular consequence: missense variant.
Genome position (GRCh38, 1-based): chr1:94,043,377, C>T on the plus strand (G>A on the coding strand, the complement: ABCA4 is on the minus strand). VCF-style: chr1-94043377-C-T. GRCh37 (hg19) VCF-style: chr1-94508933-C-T.
Other names: c.2927G>A, p.Gly976Asp (NM_001425324.1); short protein forms G1050D, G976D.
Identifiers: ClinVar variation 99199 (VCV000099199.9), dbSNP rs61750062, ClinGen allele CA227083.
Genomic context (GRCh38, chr1:94,043,377, plus strand): 5'-TCCATCCAGCTCTGAGCACCTGATAGGTCCTGAGCCTCTTCATTCCGCTTGTGGTGGAGG[C>T]CTGTGTCCTCCAACATGGCTTCCATCTCCAGCTGGGCCTCCTCCTGGGACTTTCCTTTCA-3'
Protein context (NP_000341.2, residues 1040-1060): LEMEAMLEDT[Gly1050Asp]LHHKRNEEAQ